The following is an entry in ClinVar:

NM_178857.6(RP1L1):c.4560C>T (p.Ser1520=)

Gene: RP1L1 (RP1 like 1). Cytogenetic location: 8p23.1.
Variant type: single nucleotide variant.
Coding change: c.4560C>T on transcript NM_178857.6 (MANE Select); coding-DNA position 4560, C replaced by T.
Protein change: p.Ser1520=; no amino-acid change (serine 1520 retained).
Molecular consequence: synonymous variant.
Genome position (GRCh38, 1-based): chr8:10,609,538, G>A on the plus strand (C>T on the coding strand, the complement: RP1L1 is on the minus strand). VCF-style: chr8-10609538-G-A. GRCh37 (hg19) VCF-style: chr8-10467048-G-A.
Other names: c.4560C>T (NM_178857.5).
Identifiers: ClinVar variation 3027987 (VCV003027987.4), dbSNP rs777286562, ClinGen allele CA4623976.

ClinVar aggregate classification (germline): Conflicting classifications of pathogenicity. Review status: criteria provided, conflicting classifications (1 of 4 stars). 3 submissions from 3 submitters: Uncertain significance (1); Likely benign (1). 1 of the submissions does not count toward it. Last evaluated 2023-10-01.

Conditions:
RP1L1-related disorder. Also called: RP1L1-related condition.
Retinal dystrophy. Also called: Inherited retinal dystrophy. Identifiers: Orphanet 71862, MedGen C0854723, MeSH D058499, MONDO:0019118, HP:0000556.

Allele frequency attached by ClinVar (database versions not stated): gnomAD 0.00001; gnomAD exomes 0.00004; TOPMed 0.00005; ExAC 0.00013.
gnomAD v4.1: 51 of 1,606,298 alleles (0.0032%); highest among the groups gnomAD compares: Admixed American, 0.053%; no homozygotes.

Submissions (3):

Dept Of Ophthalmology, Nagoya University
Classification: Uncertain significance for Retinal dystrophy. Last evaluated: 2023-10-01. Review status: criteria provided, single submitter. Criteria: Submitter's publication. Collection method: research. Allele origin: germline. Affected: yes.

Blueprint Genetics
Classification: Likely benign. Last evaluated: 2020-09-16. Review status: criteria provided, single submitter. Criteria: ACMG Guidelines, 2015. Collection method: clinical testing. Allele origin: germline.

PreventionGenetics, part of Exact Sciences
Classification: Likely benign for RP1L1-related condition. Last evaluated: 2019-09-19. Review status: no assertion criteria provided. Collection method: clinical testing. Allele origin: germline. Not counted in ClinVar's aggregate classification.
Comment: This variant is classified as likely benign based on ACMG/AMP sequence variant interpretation guidelines (Richards et al. 2015 PMID: 25741868, with internal and published modifications).